The following is an entry in ClinVar:

ClinVar aggregate classification (germline): other (0 of 4 stars; one submission).

Conditions:
Familial colorectal cancer. Identifiers: MedGen CN280943, MONDO:0023113. Disease mechanism: loss of function.

Submission:

Systems Biology Platform Zhejiang California International NanoSystems Institute
Classification: other for Familial colorectal cancer. Review status: no assertion criteria provided. Collection method: not provided. Allele origin: unknown.
ClinVar note: Converted during submission from cancer to other.

NM_000038.6(APC):c.729+1618C>A

Gene: APC (APC regulator of WNT signaling pathway; plus strand). Cytogenetic location: 5q22.2.
Variant type: single nucleotide variant.
Coding change: c.729+1618C>A on transcript NM_000038.6 (MANE Select); 1618 bases into the intron after coding-DNA position 729, C replaced by A.
Molecular consequence: intron variant.
Genome position (GRCh38, 1-based): chr5:112,794,147, C>A. VCF-style: chr5-112794147-C-A. GRCh37 (hg19) VCF-style: chr5-112129844-C-A.
Other names: c.729+1618C>A (NM_001354895.2, NM_001127510.3, NM_001354896.2 and 1 more transcripts); c.759+1618C>A (NM_001354897.2, NM_001354902.2); c.676-7132C>A (NM_001127511.3); c.654+1618C>A (NM_001354898.2, NM_001354904.2); c.-307+1618C>A (NM_001354906.2); c.646-7132C>A (NM_001354899.2); c.552+1618C>A (NM_001354900.2, NM_001354901.2, NM_001354905.2).
Identifiers: ClinVar variation 82486 (VCV000082486.2), dbSNP rs76053499, ClinGen allele CA013032.